The following is an entry in ClinVar:

NM_000059.4(BRCA2):c.131C>G (p.Ser44Cys)

Gene: BRCA2 (BRCA2 DNA repair associated; plus strand). Cytogenetic location: 13q13.1.
Variant type: single nucleotide variant.
Coding change: c.131C>G on transcript NM_000059.4 (MANE Select); coding-DNA position 131, C replaced by G.
Protein change: p.Ser44Cys; replaces serine 44 with cysteine.
Molecular consequence: missense variant.
Genome position (GRCh38, 1-based): chr13:32,319,140, C>G. VCF-style: chr13-32319140-C-G. GRCh37 (hg19) VCF-style: chr13-32893277-C-G.
Other names: c.131C>G, p.Ser44Cys (NM_001406719.1, NM_001406720.1, NM_001406721.1); c.-239C>G (NM_001406722.1); short protein forms S44C.
Identifiers: ClinVar variation 1719411 (VCV001719411.7), dbSNP rs2138704084, ClinGen allele CA387754244.

ClinVar aggregate classification (germline): Uncertain significance. Review status: criteria provided, multiple submitters, no conflicts (2 of 4 stars). 2 submissions from 2 submitters: Uncertain significance (2). Last evaluated 2026-07-06.

Conditions:
Hereditary cancer-predisposing syndrome. Also called: Tumor predisposition; Hereditary neoplastic syndrome; Neoplastic Syndromes, Hereditary; Hereditary Cancer Syndrome. Identifiers: Orphanet 140162, MedGen C0027672, MeSH D009386, MONDO:0015356.
Hereditary breast ovarian cancer syndrome. Also called: Hereditary breast and ovarian cancer; Hereditary breast and ovarian cancer syndrome; Hereditary breast and ovarian cancer syndrome (HBOC); BRCA1- and BRCA2-Associated Hereditary Breast and Ovarian Cancer; Breast and ovarian cancer; Hereditary breast and/or ovarian cancer syndrome. Identifiers: Orphanet 145, MedGen C0677776, MeSH D061325, MONDO:0003582. Disease mechanism: loss of function.

Submissions (2):

Ambry Genetics
Classification: Uncertain significance for Hereditary cancer-predisposing syndrome. Last evaluated: 2026-07-06. Review status: criteria provided, single submitter. Criteria: Ambry Variant Classification Scheme 2023. Collection method: clinical testing. Allele origin: germline.
Comment: The p.S44C variant (also known as c.131C>G), located in coding exon 2 of the BRCA2 gene, results from a C to G substitution at nucleotide position 131. The serine at codon 44 is replaced by cysteine, an amino acid with dissimilar properties. This amino acid position is conserved. In addition, this alteration is predicted to be tolerated by in silico analysis. Based on the available evidence, the clinical significance of this variant remains unclear.

Labcorp Genetics (formerly Invitae), Labcorp
Classification: Uncertain significance for Hereditary breast ovarian cancer syndrome. Last evaluated: 2023-02-04. Review status: criteria provided, single submitter. Criteria: Invitae Variant Classification Sherloc (09022015). Collection method: clinical testing. Allele origin: germline.
Comment: This sequence change replaces serine, which is neutral and polar, with cysteine, which is neutral and slightly polar, at codon 44 of the BRCA2 protein (p.Ser44Cys). This variant is not present in population databases (gnomAD no frequency). This variant has not been reported in the literature in individuals affected with BRCA2-related conditions. ClinVar contains an entry for this variant (Variation ID: 1719411). Advanced modeling of protein sequence and biophysical properties (such as structural, functional, and spatial information, amino acid conservation, physicochemical variation, residue mobility, and thermodynamic stability) performed at Invitae indicates that this missense variant is not expected to disrupt BRCA2 protein function. In summary, the available evidence is currently insufficient to determine the role of this variant in disease. Therefore, it has been classified as a Variant of Uncertain Significance.